The following is an entry in ClinVar:

ClinVar aggregate classification (germline): Uncertain significance (1 of 4 stars; one submission).

Conditions:
Vici syndrome (VICIS). Identifiers: Orphanet 1493, MedGen C1855772, MONDO:0009452, OMIM 242840.

Allele frequency attached by ClinVar (database versions not stated): gnomAD exomes below 0.00001.
gnomAD v4.1: 1 of 1,614,044 alleles (0.000062%); highest among the groups gnomAD compares: Admixed American, 0.0017%; no homozygotes.

Submission:

Labcorp Genetics (formerly Invitae), Labcorp
Classification: Uncertain significance for Vici syndrome. Last evaluated: 2022-01-11. Review status: criteria provided, single submitter. Criteria: Invitae Variant Classification Sherloc (09022015). Collection method: clinical testing. Allele origin: germline.
Comment: This sequence change replaces serine, which is neutral and polar, with asparagine, which is neutral and polar, at codon 1953 of the EPG5 protein (p.Ser1953Asn). This variant is not present in population databases (gnomAD no frequency). This variant has not been reported in the literature in individuals affected with EPG5-related conditions. Algorithms developed to predict the effect of missense changes on protein structure and function output the following: SIFT: "Tolerated"; PolyPhen-2: "Benign"; Align-GVGD: "Class C0". The asparagine amino acid residue is found in multiple mammalian species, which suggests that this missense change does not adversely affect protein function. In summary, the available evidence is currently insufficient to determine the role of this variant in disease. Therefore, it has been classified as a Variant of Uncertain Significance.

NM_020964.3(EPG5):c.5858G>A (p.Ser1953Asn)

Gene: EPG5 (ectopic P-granules 5 autophagy tethering factor; minus strand). Cytogenetic location: 18q12.3.
Variant type: single nucleotide variant.
Coding change: c.5858G>A on transcript NM_020964.3 (MANE Select); coding-DNA position 5858, G replaced by A.
Protein change: p.Ser1953Asn; replaces serine 1953 with asparagine.
Molecular consequence: missense variant.
Genome position (GRCh38, 1-based): chr18:45,879,024, C>T on the plus strand (G>A on the coding strand, the complement: EPG5 is on the minus strand). VCF-style: chr18-45879024-C-T. GRCh37 (hg19) VCF-style: chr18-43458989-C-T.
Other names: c.5858G>A, p.Ser1953Asn (NM_001410858.1, NM_001410859.1); short protein forms S1953N.
Identifiers: ClinVar variation 2101472 (VCV002101472.4), dbSNP rs2511566461, ClinGen allele CA402342259.